The following is an entry in ClinVar:

NM_007294.4(BRCA1):c.4109C>T (p.Ser1370Phe)

Gene: BRCA1 (BRCA1 DNA repair associated; minus strand). Cytogenetic location: 17q21.31.
Variant type: single nucleotide variant.
Coding change: c.4109C>T on transcript NM_007294.4 (MANE Select); coding-DNA position 4109, C replaced by T.
Protein change: p.Ser1370Phe; replaces serine 1370 with phenylalanine.
Molecular consequence: missense variant.
Genome position (GRCh38, 1-based): chr17:43,091,020, G>A on the plus strand (C>T on the coding strand, the complement: BRCA1 is on the minus strand). VCF-style: chr17-43091020-G-A. GRCh37 (hg19) VCF-style: chr17-41243037-G-A.
Other names: c.3773C>T, p.Ser1258Phe (NM_001407954.1, NM_001407955.1, NM_001407956.1 and 1 more transcripts); c.3986C>T, p.Ser1329Phe (NM_001407919.1, NM_001407937.1, NM_001407938.1 and 19 more transcripts); c.3845C>T, p.Ser1282Phe (NM_001407920.1, NM_001407921.1, NM_001407922.1 and 9 more transcripts); c.3776C>T, p.Ser1259Phe (NM_001407957.1, NM_001407946.1, NM_001407947.1 and 6 more transcripts); c.3728C>T, p.Ser1243Phe (NM_001407959.1, NM_001407960.1, NM_001407963.1); c.3725C>T, p.Ser1242Phe (NM_001407962.1); c.3221C>T, p.Ser1074Phe (NM_001407966.1, NM_001407967.1); c.3965C>T, p.Ser1322Phe (NM_001407964.1, NM_001407943.1, NM_001407740.1 and 20 more transcripts); and 41 more; short protein forms S1258F, S1281F, S1282F, S1322F, S1343F, S1370F, S155F, S156F.
Identifiers: ClinVar variation 4215079 (VCV004215079.1).

ClinVar aggregate classification (germline): Uncertain significance (1 of 4 stars; one submission).

Conditions:
Hereditary cancer-predisposing syndrome. Also called: Neoplastic Syndromes, Hereditary; Tumor predisposition; Hereditary Cancer Syndrome; Hereditary neoplastic syndrome. Identifiers: Orphanet 140162, MedGen C0027672, MeSH D009386, MONDO:0015356.

Submission:

Ambry Genetics
Classification: Uncertain significance for Hereditary cancer-predisposing syndrome. Last evaluated: 2025-07-11. Review status: criteria provided, single submitter. Criteria: Ambry Variant Classification Scheme 2023. Collection method: clinical testing. Allele origin: germline.
Comment: The p.S1370F variant (also known as c.4109C>T), located in coding exon 10 of the BRCA1 gene, results from a C to T substitution at nucleotide position 4109. The serine at codon 1370 is replaced by phenylalanine, an amino acid with highly dissimilar properties. This amino acid position is well conserved in available vertebrate species. In addition, the in silico prediction for this alteration is inconclusive. Based on the available evidence, the clinical significance of this variant remains unclear.